The following is an entry in ClinVar:

ClinVar aggregate classification (germline): Uncertain significance. Review status: criteria provided, multiple submitters, no conflicts (2 of 4 stars). 2 submissions from 2 submitters: Uncertain significance (2). Last evaluated 2024-03-26.

Conditions:
Polycystic kidney disease 4 (PKD4). Also called: PKD3; Autosomal Recessive Polycystic Kidney Disease – PKHD1; POLYCYSTIC KIDNEY AND HEPATIC DISEASE 1; POLYCYSTIC KIDNEY DISEASE, INFANTILE, TYPE I; POLYCYSTIC KIDNEY DISEASE 4 WITH OR WITHOUT POLYCYSTIC LIVER DISEASE. Identifiers: MedGen C4540575, MONDO:0033004, OMIM 263200.

Allele frequency attached by ClinVar (database versions not stated): gnomAD exomes 0.00001.
gnomAD v4.1: 16 of 1,614,100 alleles (0.00099%); highest among the groups gnomAD compares: Non-Finnish European, 0.0014%; no homozygotes.

Submissions (2):

Fulgent Genetics
Classification: Uncertain significance for Polycystic kidney disease 4. Last evaluated: 2024-03-26. Review status: criteria provided, single submitter. Criteria: ACMG Guidelines, 2015. Collection method: clinical testing. Allele origin: germline.

GeneDx
Classification: Uncertain significance. Last evaluated: 2022-07-11. Review status: criteria provided, single submitter. Criteria: GeneDx Variant Classification Process June 2021. Collection method: clinical testing. Allele origin: germline. Affected: yes.
Comment: Not observed at significant frequency in large population cohorts (gnomAD); In silico analysis supports that this missense variant has a deleterious effect on protein structure/function; This variant is associated with the following publications: (PMID: 19914852)

NM_138694.4(PKHD1):c.5450T>G (p.Val1817Gly)

Gene: PKHD1 (PKHD1 ciliary IPT domain containing fibrocystin/polyductin; minus strand). Cytogenetic location: 6p12.2.
Variant type: single nucleotide variant.
Coding change: c.5450T>G on transcript NM_138694.4 (MANE Select); coding-DNA position 5450, T replaced by G.
Protein change: p.Val1817Gly; replaces valine 1817 with glycine.
Molecular consequence: missense variant.
Genome position (GRCh38, 1-based): chr6:52,017,560, A>C on the plus strand (T>G on the coding strand, the complement: PKHD1 is on the minus strand). VCF-style: chr6-52017560-A-C. GRCh37 (hg19) VCF-style: chr6-51882358-A-C.
Other names: c.5450T>G, p.Val1817Gly (NM_170724.3); short protein forms V1817G.
Identifiers: ClinVar variation 1878939 (VCV001878939.2), dbSNP rs2538216401, ClinGen allele CA364426099.
Genomic context (GRCh38, chr6:52,017,560, plus strand): 5'-AGGTAAGGCCACGATTCAAGCAGTTGCTCTGTCGCCATGGCAACTGTCAAATCACACTGC[A>C]CATAGGTGTGTCTGGCAGCCTCACAGCTGTCCTCCTCACGCTTCAGGCCACACAGGAAGG-3'
Protein context (NP_619639.3, residues 1807-1827): DSCEAARHTY[Val1817Gly]QCDLTVAMAT